The following is an entry in ClinVar:

ClinVar aggregate classification (germline): Uncertain significance (1 of 4 stars; one submission).

Submission:

GeneDx
Classification: Uncertain significance. Last evaluated: 2023-12-26. Review status: criteria provided, single submitter. Criteria: GeneDx Variant Classification Process June 2021. Collection method: clinical testing. Allele origin: germline. Affected: yes.
Comment: Not observed at significant frequency in large population cohorts (gnomAD); In silico analysis supports that this missense variant has a deleterious effect on protein structure/function; Has not been previously published as pathogenic or benign to our knowledge

NM_001148.6(ANK2):c.3958G>A (p.Glu1320Lys)

Gene: ANK2 (ankyrin 2; plus strand). Cytogenetic location: 4q26.
Variant type: single nucleotide variant.
Coding change: c.3958G>A on transcript NM_001148.6 (MANE Select); coding-DNA position 3958, G replaced by A.
Protein change: p.Glu1320Lys; replaces glutamic acid 1320 with lysine.
Molecular consequence: missense variant.
Genome position (GRCh38, 1-based): chr4:113,341,752, G>A. VCF-style: chr4-113341752-G-A. GRCh37 (hg19) VCF-style: chr4-114262908-G-A.
Other names: c.3931G>A, p.Glu1311Lys (NM_001127493.3); c.3970G>A, p.Glu1324Lys (NM_001354225.2); c.3859G>A, p.Glu1287Lys (NM_001354228.2, NM_001354258.2); c.3937G>A, p.Glu1313Lys (NM_001354230.2); c.4000G>A, p.Glu1334Lys (NM_001354231.2, NM_001354242.2); c.3994G>A, p.Glu1332Lys (NM_001354232.2); c.3955G>A, p.Glu1319Lys (NM_001354235.2, NM_001354246.2, NM_001354265.2); c.3856G>A, p.Glu1286Lys (NM_001354236.2); and 31 more; short protein forms E1159K, E1192K, E120K, E1220K, E1225K, E1233K, E1245K, E1249K.
Identifiers: ClinVar variation 3367284 (VCV003367284.1).